The following is an entry in ClinVar:

ClinVar aggregate classification (germline): Uncertain significance (1 of 4 stars; one submission).

Allele frequency attached by ClinVar (database versions not stated): gnomAD 0.00003 and 0.00004; gnomAD exomes 0.00004; TOPMed 0.00004; ExAC 0.00005; ESP Exome Variant Server 0.00008.
gnomAD v4.1: 56 of 1,613,690 alleles (0.0035%); highest among the groups gnomAD compares: Non-Finnish European, 0.0047%; no homozygotes.

Submission:

Labcorp Genetics (formerly Invitae), Labcorp
Classification: Uncertain significance. Last evaluated: 2026-01-12. Review status: criteria provided, single submitter. Criteria: Invitae Variant Classification Sherloc (09022015). Collection method: clinical testing. Allele origin: germline.
Comment: This sequence change falls in intron 11 of the ANKZF1 gene. It does not directly change the encoded amino acid sequence of the ANKZF1 protein. It affects a nucleotide within the consensus splice site. This variant is present in population databases (rs374619968, gnomAD 0.009%). This variant has not been reported in the literature in individuals affected with ANKZF1-related conditions. ClinVar contains an entry for this variant (Variation ID: 1420654). Variants that disrupt the consensus splice site are a relatively common cause of aberrant splicing (PMID: 17576681, 9536098). Algorithms developed to predict the effect of sequence changes on RNA splicing suggest that this variant is not likely to affect RNA splicing. In summary, the available evidence is currently insufficient to determine the role of this variant in disease. Therefore, it has been classified as a Variant of Uncertain Significance.

Literature cited by the submitters: PubMed 17576681; PubMed 9536098.

NM_018089.3(ANKZF1):c.1803+3C>A

Gene: ANKZF1 (ankyrin repeat and zinc finger peptidyl tRNA hydrolase 1; plus strand). Cytogenetic location: 2q35.
Variant type: single nucleotide variant.
Coding change: c.1803+3C>A on transcript NM_018089.3 (MANE Select); 3 bases into the intron after coding-DNA position 1803, C replaced by A.
Molecular consequence: intron variant.
Genome position (GRCh38, 1-based): chr2:219,235,588, C>A. VCF-style: chr2-219235588-C-A. GRCh37 (hg19) VCF-style: chr2-220100310-C-A.
Other names: c.1803+3C>A (NM_001042410.2); c.1173+3C>A (NM_001282792.2).
Identifiers: ClinVar variation 1420654 (VCV001420654.6), dbSNP rs374619968, ClinGen allele CA2121172.